The following is an entry in ClinVar:

ClinVar aggregate classification (germline): Benign/Likely benign. Review status: criteria provided, multiple submitters, no conflicts (2 of 4 stars). 8 submissions from 8 submitters: Benign (1); Likely benign (6). 1 of the submissions does not count toward it. Last evaluated 2026-07-14.

Conditions:
SMARCA4-related disorder. Also called: SMARCA4-related condition.
Hereditary cancer-predisposing syndrome. Also called: Hereditary Cancer Syndrome; Tumor predisposition; Hereditary neoplastic syndrome; Neoplastic Syndromes, Hereditary. Identifiers: Orphanet 140162, MedGen C0027672, MeSH D009386, MONDO:0015356.
Intellectual disability, autosomal dominant 16 (CSS4). Also called: COFFIN-SIRIS SYNDROME 4. Identifiers: Orphanet 1465, MedGen C3553249, MONDO:0013821, OMIM 614609.
Rhabdoid tumor predisposition syndrome 2 (RTPS2). Identifiers: Orphanet 231108, Orphanet 69077, MedGen C2750074, MONDO:0013224, OMIM 613325.

Allele frequency attached by ClinVar (database versions not stated): TOPMed 0.00006; gnomAD 0.00004; gnomAD exomes 0.00015 and 0.00005; ESP Exome Variant Server 0.00023; ExAC 0.00008.
gnomAD v4.1: 230 of 1,612,402 alleles (0.014%); highest among the groups gnomAD compares: Non-Finnish European, 0.018%; no homozygotes.

Submissions (8):

Myriad Genetics, Inc.
Classification: Benign for Rhabdoid tumor predisposition syndrome 2. Last evaluated: 2026-07-14. Review status: criteria provided, single submitter. Criteria: Myriad Autosomal Dominant, Autosomal Recessive and X-Linked Classification Criteria (2023). Collection method: clinical testing. Allele origin: unknown.
Comment: This variant is considered benign. This variant is a silent/synonymous amino acid change and it is not expected to impact splicing.

Labcorp Genetics (formerly Invitae), Labcorp
Classification: Likely benign for Rhabdoid tumor predisposition syndrome 2. Last evaluated: 2026-02-04. Review status: criteria provided, single submitter. Criteria: Invitae Variant Classification Sherloc (09022015). Collection method: clinical testing. Allele origin: germline.

CeGaT Center for Human Genetics Tuebingen
Classification: Likely benign. Last evaluated: 2025-05-01. Review status: criteria provided, single submitter. Criteria: CeGaT Center For Human Genetics Tuebingen Variant Classification Criteria Version 2. Collection method: clinical testing. Allele origin: germline. Affected: yes. Observed: 1 variant allele.
Comment: SMARCA4: BP4, BP7

Blueprint Genetics
Classification: Likely benign. Last evaluated: 2023-10-20. Review status: criteria provided, single submitter. Criteria: ACMG Guidelines, 2015. Collection method: clinical testing. Allele origin: germline.

Fulgent Genetics
Classification: Likely benign for Rhabdoid tumor predisposition syndrome 2; Intellectual disability, autosomal dominant 16. Last evaluated: 2022-05-24. Review status: criteria provided, single submitter. Criteria: ACMG Guidelines, 2015. Collection method: clinical testing. Allele origin: unknown.

Sema4
Classification: Likely benign for Hereditary cancer-predisposing syndrome. Last evaluated: 2021-12-17. Review status: criteria provided, single submitter. Criteria: Sema4 Curation Guidelines. Collection method: curation. Allele origin: germline.

Ambry Genetics
Classification: Likely benign for Hereditary cancer-predisposing syndrome. Last evaluated: 2015-08-20. Review status: criteria provided, single submitter. Criteria: Ambry Variant Classification Scheme 2023. Collection method: clinical testing. Allele origin: germline.

PreventionGenetics, part of Exact Sciences
Classification: Likely benign for SMARCA4-related condition. Last evaluated: 2021-12-08. Review status: no assertion criteria provided. Collection method: clinical testing. Allele origin: germline. Not counted in ClinVar's aggregate classification.
Comment: This variant is classified as likely benign based on ACMG/AMP sequence variant interpretation guidelines (Richards et al. 2015 PMID: 25741868, with internal and published modifications).

NM_003072.5(SMARCA4):c.3552G>A (p.Leu1184=)

Gene: SMARCA4 (SWI/SNF related BAF chromatin remodeling complex subunit ATPase 4; plus strand). Cytogenetic location: 19p13.2.
Variant type: single nucleotide variant.
Coding change: c.3552G>A on transcript NM_003072.5 (MANE Select); coding-DNA position 3552, G replaced by A.
Protein change: p.Leu1184=; no amino-acid change (leucine 1184 retained).
Molecular consequence: synonymous variant. On other transcripts: non-coding transcript variant (1).
Genome position (GRCh38, 1-based): chr19:11,033,295, G>A. VCF-style: chr19-11033295-G-A. GRCh37 (hg19) VCF-style: chr19-11143971-G-A.
Other names: c.3552G>A, p.Leu1184= (NM_001128844.3, NM_001128845.2, NM_001128846.2 and 5 more transcripts).
Identifiers: ClinVar variation 238430 (VCV000238430.31), dbSNP rs368250779, ClinGen allele CA9204468.